The following is an entry in ClinVar:

ClinVar aggregate classification (germline): Uncertain significance (1 of 4 stars; one submission).

Conditions:
Cardiovascular phenotype. Identifiers: MedGen CN230736.

Allele frequency attached by ClinVar (database versions not stated): TOPMed below 0.00001; gnomAD 0.00001; gnomAD exomes 0.00001.
gnomAD v4.1: 13 of 1,613,974 alleles (0.00081%); highest among the groups gnomAD compares: East Asian, 0.029%; no homozygotes.

Submission:

Ambry Genetics
Classification: Uncertain significance for Cardiovascular phenotype. Last evaluated: 2021-06-14. Review status: criteria provided, single submitter. Criteria: Ambry Variant Classification Scheme 2023. Collection method: clinical testing. Allele origin: germline.
Comment: The p.N2365S variant (also known as c.7094A>G), located in coding exon 31 of the AKAP9 gene, results from an A to G substitution at nucleotide position 7094. The asparagine at codon 2365 is replaced by serine, an amino acid with highly similar properties. This amino acid position is conserved. In addition, this alteration is predicted to be tolerated by in silico analysis. Since supporting evidence is limited at this time, the clinical significance of this alteration remains unclear.

NM_005751.5(AKAP9):c.7094A>G (p.Asn2365Ser)

Gene: AKAP9 (A-kinase anchoring protein 9; plus strand). Cytogenetic location: 7q21.2.
Variant type: single nucleotide variant.
Coding change: c.7094A>G on transcript NM_005751.5 (MANE Select); coding-DNA position 7094, A replaced by G.
Protein change: p.Asn2365Ser; replaces asparagine 2365 with serine.
Molecular consequence: missense variant.
Genome position (GRCh38, 1-based): chr7:92,079,227, A>G. VCF-style: chr7-92079227-A-G. GRCh37 (hg19) VCF-style: chr7-91708541-A-G.
Other names: c.1739A>G, p.Asn580Ser (NM_001379277.1); c.7070A>G, p.Asn2357Ser (NM_147185.3); short protein forms N2365S, N580S, N2357S.
Identifiers: ClinVar variation 1757109 (VCV001757109.2), dbSNP rs1468640383, ClinGen allele CA368134958.
Genomic context (GRCh38, chr7:92,079,227, plus strand): 5'-GAGAAGAAGAAATAGAGCAGCTCAATGAAGTGATTGAAAAACTTCAACAGGAATTGGCAA[A>G]TATTGGACAGAAGACATCAATGAATGCTCATTCCCTCTCAGAAGAAGCAGACAGTTTAAA-3'
Protein context (NP_005742.4, residues 2355-2375): VIEKLQQELA[Asn2365Ser]IGQKTSMNAH